The following is an entry in ClinVar:

NM_030777.4(SLC2A10):c.611G>A (p.Gly204Asp)

Gene: SLC2A10 (solute carrier family 2 member 10; plus strand). Cytogenetic location: 20q13.12.
Variant type: single nucleotide variant.
Coding change: c.611G>A on transcript NM_030777.4 (MANE Select); coding-DNA position 611, G replaced by A.
Protein change: p.Gly204Asp; replaces glycine 204 with aspartic acid.
Molecular consequence: missense variant.
Genome position (GRCh38, 1-based): chr20:46,725,647, G>A. VCF-style: chr20-46725647-G-A. GRCh37 (hg19) VCF-style: chr20-45354286-G-A.
Other names: short protein forms G204D.
Identifiers: ClinVar variation 467818 (VCV000467818.8), dbSNP rs1555887956, ClinGen allele CA409267419.
Genomic context (GRCh38, chr20:46,725,647, plus strand): 5'-TCCTCCCTGCTGGTACAGATGAGACTGCAACACACAAGGACCTCATCCCACTCCAGGGAG[G>A]TGAGGCCCCCAAGCTGGGCCCGGGGAGGCCACGGTACTCCTTTCTGGACCTCTTCAGGGC-3'
Protein context (NP_110404.1, residues 194-214): THKDLIPLQG[Gly204Asp]EAPKLGPGRP

ClinVar aggregate classification (germline): Uncertain significance (1 of 4 stars; one submission).

Conditions:
Arterial tortuosity syndrome (ATORS). Identifiers: Orphanet 3342, MedGen C1859726, MONDO:0008818, OMIM 208050.

Submission:

Labcorp Genetics (formerly Invitae), Labcorp
Classification: Uncertain significance for Arterial tortuosity syndrome. Last evaluated: 2022-12-06. Review status: criteria provided, single submitter. Criteria: Invitae Variant Classification Sherloc (09022015). Collection method: clinical testing. Allele origin: germline.
Comment: In summary, the available evidence is currently insufficient to determine the role of this variant in disease. Therefore, it has been classified as a Variant of Uncertain Significance. Advanced modeling of protein sequence and biophysical properties (such as structural, functional, and spatial information, amino acid conservation, physicochemical variation, residue mobility, and thermodynamic stability) performed at Invitae indicates that this missense variant is not expected to disrupt SLC2A10 protein function. ClinVar contains an entry for this variant (Variation ID: 467818). This variant has not been reported in the literature in individuals affected with SLC2A10-related conditions. This variant is not present in population databases (gnomAD no frequency). This sequence change replaces glycine, which is neutral and non-polar, with aspartic acid, which is acidic and polar, at codon 204 of the SLC2A10 protein (p.Gly204Asp).